The following is an entry in ClinVar:

ClinVar aggregate classification (germline): Pathogenic/Likely pathogenic. Review status: criteria provided, multiple submitters, no conflicts (2 of 4 stars). 2 submissions from 2 submitters: Pathogenic (1); Likely pathogenic (1). Last evaluated 2024-02-12.

Conditions:
Familial cancer of breast. Also called: hereditary breast carcinoma; BREAST CANCER, FAMILIAL; Hereditary breast cancer. Identifiers: Orphanet 227535, MedGen C0346153, MONDO:0016419, OMIM 114480. Disease mechanism: loss of function.
Ataxia-telangiectasia syndrome (AT). Also called: LOUIS-BAR SYNDROME; Ataxia-telangiectasia, complementation group E; Ataxia-telangiectasia, complementation group D; AT, COMPLEMENTATION GROUP C; Ataxia telangiectasia (A-T); Cerebello-oculocutaneous telangiectasia. Identifiers: Orphanet 100, MedGen C0004135, MONDO:0008840, OMIM 208900.

Submissions (2):

Baylor Genetics
Classification: Likely pathogenic for Familial cancer of breast. Last evaluated: 2024-02-12. Review status: criteria provided, single submitter. Criteria: ACMG Guidelines, 2015. Collection method: clinical testing. Allele origin: unknown.

Labcorp Genetics (formerly Invitae), Labcorp
Classification: Pathogenic for Ataxia-telangiectasia syndrome. Last evaluated: 2018-11-05. Review status: criteria provided, single submitter. Criteria: Invitae Variant Classification Sherloc (09022015). Collection method: clinical testing. Allele origin: germline.
Comment: For these reasons, this variant has been classified as Pathogenic. Loss-of-function variants in ATM are known to be pathogenic (PMID: 23807571, 25614872). This variant has not been reported in the literature in individuals with ATM-related disease. This variant is not present in population databases (ExAC no frequency). This sequence change creates a premature translational stop signal (p.Tyr959*) in the ATM gene. It is expected to result in an absent or disrupted protein product.

Literature cited by the submitters: PubMed 23807571 (cited by Labcorp Genetics (formerly Invitae), Labcorp); PubMed 25614872 (cited by Labcorp Genetics (formerly Invitae), Labcorp).

NM_000051.4(ATM):c.2877C>A (p.Tyr959Ter)

Gene: ATM (ATM serine/threonine kinase; plus strand). Cytogenetic location: 11q22.3.
Variant type: single nucleotide variant.
Coding change: c.2877C>A on transcript NM_000051.4 (MANE Select); coding-DNA position 2877, C replaced by A.
Protein change: p.Tyr959Ter; replaces tyrosine 959 with a stop codon.
Molecular consequence: nonsense.
Genome position (GRCh38, 1-based): chr11:108,271,102, C>A. VCF-style: chr11-108271102-C-A. GRCh37 (hg19) VCF-style: chr11-108141829-C-A.
Other names: c.2877C>A, p.Tyr959Ter (NM_001351834.2); short protein forms Y959*.
Identifiers: ClinVar variation 640084 (VCV000640084.7), dbSNP rs1057517253, ClinGen allele CA382546837.